The following is an entry in ClinVar:

ClinVar aggregate classification (germline): Uncertain significance (1 of 4 stars; one submission).

Conditions:
Inborn genetic diseases. Identifiers: MedGen C0950123, MeSH D030342.

Submission:

Ambry Genetics
Classification: Uncertain significance for Inborn genetic diseases. Last evaluated: 2025-12-26. Review status: criteria provided, single submitter. Criteria: Ambry Variant Classification Scheme 2023. Collection method: clinical testing. Allele origin: germline.
Comment: The p.A985P variant (also known as c.2953G>C), located in coding exon 22 of the SLC12A6 gene, results from a G to C substitution at nucleotide position 2953. The alanine at codon 985 is replaced by proline, an amino acid with highly similar properties. This amino acid position is conserved. In addition, this alteration is predicted to be deleterious by in silico analysis. Based on the available evidence, the clinical significance of this variant remains unclear.

NM_001365088.1(SLC12A6):c.2953G>C (p.Ala985Pro)

Gene: SLC12A6 (solute carrier family 12 member 6; minus strand). Cytogenetic location: 15q14.
Variant type: single nucleotide variant.
Coding change: c.2953G>C on transcript NM_001365088.1 (MANE Select); coding-DNA position 2953, G replaced by C.
Protein change: p.Ala985Pro; replaces alanine 985 with proline.
Molecular consequence: missense variant.
Genome position (GRCh38, 1-based): chr15:34,236,797, C>G on the plus strand (G>C on the coding strand, the complement: SLC12A6 is on the minus strand). VCF-style: chr15-34236797-C-G. GRCh37 (hg19) VCF-style: chr15-34528998-C-G.
Other names: c.2776G>C, p.Ala926Pro (NM_001042494.2, NM_001042495.2); c.2926G>C, p.Ala976Pro (NM_001042496.2); c.2908G>C, p.Ala970Pro (NM_001042497.2); c.2800G>C, p.Ala934Pro (NM_005135.2); c.2953G>C, p.Ala985Pro (NM_133647.2); short protein forms A934P, A970P, A926P, A976P, A985P.
Identifiers: ClinVar variation 4631006 (VCV004631006.2).
Genomic context (GRCh38, chr15:34,236,797, plus strand): 5'-GCATGTGCCGGAGCATCTGGGACCTTTGTTCCATCATCAAAGTGCGCTCGTAAGTATATG[C>G]TGATATATCACTGTCATGCTGCCATAGACATCACATAAAAGGGGCAAAAAGCACAAAGGA-3'
Protein context (NP_001352017.1, residues 975-995): VVEMHDSDIS[Ala985Pro]YTYERTLMME